The following is an entry in ClinVar:

ClinVar aggregate classification (germline): Pathogenic (1 of 4 stars; one submission).

Conditions:
Spondylocostal dysostosis 2, autosomal recessive (SCDO2). Also called: Spondylocostal dysostosis type 2; MESP2-Related Spondylocostal Dysostosis, Autosomal Recessive. Identifiers: Orphanet 2311, MedGen C1837549, MONDO:0012097, OMIM 608681.

Submission:

Myriad Genetics, Inc.
Classification: Pathogenic for Spondylocostal dysostosis 2, autosomal recessive. Last evaluated: 2026-03-05. Review status: criteria provided, single submitter. Criteria: Myriad Autosomal Dominant, Autosomal Recessive and X-Linked Classification Criteria (2023). Collection method: clinical testing. Allele origin: unknown.
Comment: NM_001039958.1(MESP2):c.463delG(D155Tfs*326) is a readthrough frameshift variant classified as pathogenic in the context of spondylothoracic dysostosis. D155Tfs*326 has not been observed in cases with relevant disease. Relevant functional assessments of this variant are not available in the literature. D155Tfs*326 has not been observed in referenced population frequency databases. In summary, NM_001039958.1(MESP2):c.463delG(D155Tfs*326) is a readthrough frameshift variant in a gene where loss of function is a known mechanism of disease and is predicted to disrupt protein function. Please note: this variant was assessed in the context of healthy population screening.

NM_001039958.2(MESP2):c.463del (p.Asp155fs)

Gene: MESP2 (mesoderm posterior bHLH transcription factor 2; plus strand). Cytogenetic location: 15q26.1.
Variant type: Deletion.
Coding change: c.463del on transcript NM_001039958.2 (MANE Select); coding-DNA position 463, one base deleted (G; older notation c.463delG).
Protein change: p.Asp155fs; shifts the reading frame from aspartic acid 155.
Molecular consequence: frameshift variant.
Genome position (GRCh38, 1-based): chr15:89,776,820, G deleted; the last of 4 consecutive G bases (chr15:89,776,817-89,776,820); deleting any one gives the same sequence. VCF-style (leftmost placement, unchanged base first): chr15-89776816-CG-C. GRCh37 (hg19) VCF-style: chr15-90320047-CG-C.
Other names: short protein forms D155fs.
Identifiers: ClinVar variation 5003826 (VCV005003826.1).
Genomic context (GRCh38, chr15:89,776,816, plus strand): 5'-CCACCTATCGGCCGTGCTGGGTCTCAGCGAGGAGAGTCTGCAGTGCCGGCGCAGGCAGCG[CG>C]GGGACGCGGGGTCCCCTTGGGGCTGCCCGCTGTGCCCCGACCGTGGCCCCGCAGAGGCGC-3'